The following is an entry in ClinVar:

ClinVar aggregate classification (germline): Benign. Review status: criteria provided, multiple submitters, no conflicts (2 of 4 stars). 2 submissions from 2 submitters: Benign (2). Last evaluated 2026-02-03.

Conditions:
Sulfite oxidase deficiency due to molybdenum cofactor deficiency type A. Also called: Molybdenum Cofactor Deficiency A; Molybdenum cofactor deficiency, complementation group A. Identifiers: Orphanet 308386, Orphanet 833, MedGen C1854988, MONDO:0009643, OMIM 252150.

Allele frequency attached by ClinVar (database versions not stated): 1000 Genomes Project 0.01637; 1000 Genomes Project 30x 0.01749; gnomAD 0.02099 and 0.02180; TOPMed 0.02154; ESP Exome Variant Server 0.02423; gnomAD exomes 0.02709; ExAC 0.02777.
gnomAD v4.1: 48,328 of 1,614,068 alleles (3%); highest among the groups gnomAD compares: Middle Eastern, 6.4%; 857 homozygotes.

Submissions (2):

Labcorp Genetics (formerly Invitae), Labcorp
Classification: Benign for Sulfite oxidase deficiency due to molybdenum cofactor deficiency type A. Last evaluated: 2026-02-03. Review status: criteria provided, single submitter. Criteria: Invitae Variant Classification Sherloc (09022015). Collection method: clinical testing. Allele origin: germline.

Illumina Laboratory Services, Illumina
Classification: Benign for Sulfite oxidase deficiency due to molybdenum cofactor deficiency type A. Last evaluated: 2018-01-13. Review status: criteria provided, single submitter. Criteria: ICSL Variant Classification Criteria 13 December 2019. Collection method: clinical testing. Allele origin: germline.
Comment: This variant was observed in the ICSL laboratory as part of a predisposition screen in an ostensibly healthy population. It had not been previously curated by ICSL or reported in the Human Gene Mutation Database (HGMD: prior to June 1st, 2018), and was therefore a candidate for classification through an automated scoring system. Utilizing variant allele frequency, disease prevalence and penetrance estimates, and inheritance mode, an automated score was calculated to assess if this variant is too frequent to cause the disease. Based on the score and internal cut-off values, a variant classified as benign is not then subjected to further curation. The score for this variant resulted in a classification of benign for this disease.

NM_001358530.2(MOCS1):c.1316G>A (p.Arg439Gln)

Gene: MOCS1 (molybdenum cofactor synthesis 1; minus strand). Cytogenetic location: 6p21.2.
Variant type: single nucleotide variant.
Coding change: c.1316G>A on transcript NM_001358530.2 (MANE Select); coding-DNA position 1316, G replaced by A.
Protein change: p.Arg439Gln; replaces arginine 439 with glutamine.
Molecular consequence: missense variant. On other transcripts: 3 prime UTR variant (4), non-coding transcript variant (1).
Genome position (GRCh38, 1-based): chr6:39,906,952, C>T on the plus strand (G>A on the coding strand, the complement: MOCS1 is on the minus strand). VCF-style: chr6-39906952-C-T. GRCh37 (hg19) VCF-style: chr6-39874728-C-T.
Other names: c.*173G>A (NM_001075098.4, NM_001358533.2, NM_001358534.2 and 1 more transcripts); c.1268G>A, p.Arg423Gln (NM_001358529.2); c.1055G>A, p.Arg352Gln (NM_001358531.2); short protein forms R352Q, R423Q, R439Q.
Identifiers: ClinVar variation 356649 (VCV000356649.12), dbSNP rs41273142, ClinGen allele CA3795969.